The following is an entry in ClinVar:

NM_001378454.1(ALMS1):c.12362+16_12362+27delinsTGAGTTTGTG

Gene: ALMS1 (ALMS1 centrosome and basal body associated protein; plus strand). Cytogenetic location: 2p13.1.
Variant type: Indel.
Coding change: c.12362+16_12362+27delinsTGAGTTTGTG on transcript NM_001378454.1 (MANE Select); bases 16 to 27 of the intron after coding-DNA position 12362, CAAGAGTACGTA replaced by TGAGTTTGTG.
Molecular consequence: intron variant.
Genome position (GRCh38, 1-based): chr2:73,603,320-73,603,331, CAAGAGTACGTA replaced by TGAGTTTGTG. VCF-style: chr2-73603320-CAAGAGTACGTA-TGAGTTTGTG. GRCh37 (hg19) VCF-style: chr2-73830447-CAAGAGTACGTA-TGAGTTTGTG.
Other names: c.12365+16_12365+27delCAAGAGTACGTAinsTGAGTTTGTG (NM_015120.4); c.12362+16_12362+27delinsTGAGTTTGTG (NM_015120.4).
Identifiers: ClinVar variation 422590 (VCV000422590.2), dbSNP rs1064795877, ClinGen allele CA16617759.
Genomic context (GRCh38, chr2:73,603,320, plus strand): 5'-GAACAAGCCTATCAGCAAGAAGGAAATGATTCAGAGGTCCAAACGGTAAGACCAAGAAAA[CAAGAGTACGTA>TGAGTTTGTG]TACAAGTGTAAACCAGGCCACCAAGTGGTCGGGAGCTCTGGCTTGCACCCAGAATAAATG-3'

ClinVar aggregate classification (germline): Benign/Likely benign. Review status: criteria provided, multiple submitters, no conflicts (2 of 4 stars). 2 submissions from 2 submitters: Benign (1); Likely benign (1). Last evaluated 2021-08-27.

Conditions:
Alstrom syndrome (ALMS). Identifiers: Orphanet 64, MedGen C0268425, MONDO:0008763, OMIM 203800.

Submissions (2):

Fulgent Genetics
Classification: Benign for Alstrom syndrome. Last evaluated: 2021-08-27. Review status: criteria provided, single submitter. Criteria: ACMG Guidelines, 2015. Collection method: clinical testing. Allele origin: unknown.

GeneDx
Classification: Likely benign. Last evaluated: 2018-02-06. Review status: criteria provided, single submitter. Criteria: GeneDx Variant Classification (06012015). Collection method: clinical testing. Allele origin: germline. Affected: yes.
Comment: This variant is considered likely benign or benign based on one or more of the following criteria: it is a conservative change, it occurs at a poorly conserved position in the protein, it is predicted to be benign by multiple in silico algorithms, and/or has population frequency not consistent with disease.